The following is an entry in ClinVar:

ClinVar aggregate classification (germline): Conflicting classifications of pathogenicity. Review status: criteria provided, conflicting classifications (1 of 4 stars). 2 submissions from 2 submitters: Uncertain significance (1); Likely benign (1). Last evaluated 2026-04-01.

gnomAD v4.1: 366 of 1,291,068 alleles (0.028%); highest among the groups gnomAD compares: South Asian, 0.74%; 3 homozygotes.

Submissions (2):

CeGaT Center for Human Genetics Tuebingen
Classification: Likely benign. Last evaluated: 2026-04-01. Review status: criteria provided, single submitter. Criteria: CeGaT Center For Human Genetics Tuebingen Variant Classification Criteria Version 2. Collection method: clinical testing. Allele origin: germline. Affected: yes. Observed: 1 variant allele.
Comment: HHIPL1: BS2

Ambry Genetics
Classification: Uncertain significance. Last evaluated: 2025-08-21. Review status: criteria provided, single submitter. Criteria: Ambry Variant Classification Scheme 2023. Collection method: clinical testing. Allele origin: germline.

NM_001127258.3(HHIPL1):c.7C>G (p.Arg3Gly)

Gene: HHIPL1 (HHIP like 1; plus strand). Cytogenetic location: 14q32.2.
Variant type: single nucleotide variant.
Coding change: c.7C>G on transcript NM_001127258.3 (MANE Select); coding-DNA position 7, C replaced by G.
Protein change: p.Arg3Gly; replaces arginine 3 with glycine.
Molecular consequence: missense variant. On other transcripts: intron variant (1).
Genome position (GRCh38, 1-based): chr14:99,645,214, C>G. VCF-style: chr14-99645214-C-G. GRCh37 (hg19) VCF-style: chr14-100111551-C-G.
Other names: c.7C>G, p.Arg3Gly (NM_032425.5); c.61-7010C>G (NM_001329411.2); short protein forms R3G.
Identifiers: ClinVar variation 4270657 (VCV004270657.3).